The following is an entry in ClinVar:

ClinVar aggregate classification (germline): Uncertain significance (1 of 4 stars; one submission).

Conditions:
PLEC-related disorder. Also called: PLEC-related condition; PLEC-related disorders.

gnomAD v4.1: 46 of 1,606,946 alleles (0.0029%); highest among the groups gnomAD compares: Non-Finnish European, 0.0038%; no homozygotes.

Submission:

PreventionGenetics, part of Exact Sciences
Classification: Uncertain significance for PLEC-related condition. Last evaluated: 2026-01-28. Review status: criteria provided, single submitter. Criteria: ACMG Guidelines, 2015. Collection method: clinical testing. Allele origin: germline.
Comment: The PLEC c.298G>A variant is predicted to result in the amino acid substitution p.Val100Met. To our knowledge, this variant has not been reported in the literature. This variant is reported in 0.0029% of alleles in individuals of European (non-Finnish) descent in gnomAD. At this time, the clinical significance of this variant is uncertain due to the absence of conclusive functional and genetic evidence.

NM_201378.4(PLEC):c.71-11717G>A

Gene: PLEC (plectin; minus strand). Cytogenetic location: 8q24.3.
Variant type: single nucleotide variant.
Coding change: c.71-11717G>A on transcript NM_201378.4 (MANE Plus Clinical); 11717 bases into the intron before coding-DNA position 71, G replaced by A.
Molecular consequence: intron variant. On other transcripts: missense variant (1).
Genome position (GRCh38, 1-based): chr8:143,950,409, C>T on the plus strand (G>A on the coding strand, the complement: PLEC is on the minus strand). VCF-style: chr8-143950409-C-T. GRCh37 (hg19) VCF-style: chr8-145024577-C-T.
Other names: c.298G>A, p.Val100Met (NM_201380.4); c.194-11717G>A (NM_001410941.1, NM_000445.5); c.46+3317G>A (NM_201379.3); short protein forms V100M.
Identifiers: ClinVar variation 4978368 (VCV004978368.1).